The following is an entry in ClinVar:

ClinVar aggregate classification (germline): Uncertain significance (1 of 4 stars; one submission).

Conditions:
Charcot-Marie-Tooth disease type 2. Also called: Charcot-Marie-Tooth type 2. Identifiers: Orphanet 64746, MedGen C0270914, MONDO:0018993.

Allele frequency attached by ClinVar (database versions not stated): gnomAD 0.00003 and 0.00004; ExAC 0.00003; gnomAD exomes 0.00002; ESP Exome Variant Server 0.00008; TOPMed 0.00006.
gnomAD v4.1: 10 of 1,609,366 alleles (0.00062%); highest among the groups gnomAD compares: African/African-American, 0.0053%; no homozygotes.

Submission:

Labcorp Genetics (formerly Invitae), Labcorp
Classification: Uncertain significance for Charcot-Marie-Tooth disease type 2. Last evaluated: 2022-04-30. Review status: criteria provided, single submitter. Criteria: Invitae Variant Classification Sherloc (09022015). Collection method: clinical testing. Allele origin: germline.
Comment: In summary, the available evidence is currently insufficient to determine the role of this variant in disease. Therefore, it has been classified as a Variant of Uncertain Significance. Variants that disrupt the consensus splice site are a relatively common cause of aberrant splicing (PMID: 17576681, 9536098). Algorithms developed to predict the effect of sequence changes on RNA splicing suggest that this variant is not likely to affect RNA splicing. ClinVar contains an entry for this variant (Variation ID: 1003427). This variant has not been reported in the literature in individuals affected with GARS-related conditions. This variant is present in population databases (rs372776194, gnomAD 0.01%). This sequence change falls in intron 2 of the GARS gene. It does not directly change the encoded amino acid sequence of the GARS protein. It affects a nucleotide within the consensus splice site.

Literature cited by the submitters: PubMed 17576681; PubMed 9536098.

NM_002047.4(GARS1):c.324+3G>A

Gene: GARS1 (glycyl-tRNA synthetase 1; plus strand). Cytogenetic location: 7p14.3.
Variant type: single nucleotide variant.
Coding change: c.324+3G>A on transcript NM_002047.4 (MANE Select); 3 bases into the intron after coding-DNA position 324, G replaced by A.
Molecular consequence: intron variant.
Genome position (GRCh38, 1-based): chr7:30,598,900, G>A. VCF-style: chr7-30598900-G-A. GRCh37 (hg19) VCF-style: chr7-30638516-G-A.
Other names: c.162+3G>A (NM_001316772.1).
Identifiers: ClinVar variation 1003427 (VCV001003427.6), dbSNP rs372776194, ClinGen allele CA4205649.
Genomic context (GRCh38, chr7:30,598,900, plus strand): 5'-AGACGTAGACAAAGCAGTGGCTGAGCTCAAAGCCCGCAAGAGGGTTCTGGAAGCAAAGGT[G>A]AGTCCTGGGATGCTAAAATAGGAACATAAGTAGGTATAGGATTGTTCATCTTTAATTTCT-3'